The following is an entry in ClinVar:

ClinVar aggregate classification (germline): Uncertain significance. Review status: criteria provided, multiple submitters, no conflicts (2 of 4 stars). 4 submissions from 4 submitters: Uncertain significance (4). Last evaluated 2024-10-09.

Conditions:
MEGF10-related myopathy (CMYO10A). Also called: Congenital myopathy 10A, severe variant. Identifiers: Orphanet 439212, MedGen C3280679, MONDO:0013731, OMIM 614399.
Inborn genetic diseases. Identifiers: MedGen C0950123, MeSH D030342.

Allele frequency attached by ClinVar (database versions not stated): gnomAD exomes 0.00002 and 0.00004; ExAC 0.00003; gnomAD 0.00007; TOPMed 0.00008.

Submissions (4):

Ambry Genetics
Classification: Uncertain significance for Inborn genetic diseases. Last evaluated: 2024-10-09. Review status: criteria provided, single submitter. Criteria: Ambry Variant Classification Scheme 2023. Collection method: clinical testing. Allele origin: germline.

Labcorp Genetics (formerly Invitae), Labcorp
Classification: Uncertain significance for MEGF10-related myopathy. Last evaluated: 2024-01-18. Review status: criteria provided, single submitter. Criteria: Invitae Variant Classification Sherloc (09022015). Collection method: clinical testing. Allele origin: germline.
Comment: This sequence change replaces arginine, which is basic and polar, with cysteine, which is neutral and slightly polar, at codon 211 of the MEGF10 protein (p.Arg211Cys). This variant is present in population databases (rs200236385, gnomAD 0.008%). This variant has not been reported in the literature in individuals affected with MEGF10-related conditions. ClinVar contains an entry for this variant (Variation ID: 350640). Advanced modeling of protein sequence and biophysical properties (such as structural, functional, and spatial information, amino acid conservation, physicochemical variation, residue mobility, and thermodynamic stability) performed at Invitae indicates that this missense variant is not expected to disrupt MEGF10 protein function with a negative predictive value of 80%. In summary, the available evidence is currently insufficient to determine the role of this variant in disease. Therefore, it has been classified as a Variant of Uncertain Significance.

Revvity Omics, Revvity
Classification: Uncertain significance. Last evaluated: 2022-11-24. Review status: criteria provided, single submitter. Criteria: ACMG Guidelines, 2015. Collection method: clinical testing. Allele origin: germline.

Illumina Laboratory Services, Illumina
Classification: Uncertain significance for MEGF10-related myopathy. Last evaluated: 2018-01-13. Review status: criteria provided, single submitter. Criteria: ICSL Variant Classification Criteria 13 December 2019. Collection method: clinical testing. Allele origin: germline.

NM_001256545.2(MEGF10):c.631C>T (p.Arg211Cys)

Gene: MEGF10 (multiple EGF like domains 10; plus strand). Cytogenetic location: 5q23.2.
Variant type: single nucleotide variant.
Coding change: c.631C>T on transcript NM_001256545.2 (MANE Select); coding-DNA position 631, C replaced by T.
Protein change: p.Arg211Cys; replaces arginine 211 with cysteine.
Molecular consequence: missense variant.
Genome position (GRCh38, 1-based): chr5:127,396,750, C>T. VCF-style: chr5-127396750-C-T. GRCh37 (hg19) VCF-style: chr5-126732442-C-T.
Other names: c.631C>T, p.Arg211Cys (NM_001308119.2, NM_001308121.2, NM_032446.3); short protein forms R211C.
Identifiers: ClinVar variation 350640 (VCV000350640.15), dbSNP rs200236385, ClinGen allele CA3391347.
Genomic context (GRCh38, chr5:127,396,750, plus strand): 5'-TGTCATCAGAGATGCCAGTGCCAGAATGGAGCCACCTGCGACCACGTCACGGGGGAATGC[C>T]GCTGCCCACCAGGATACACCGGAGCCTTGTAAGTCACATGCTGCCCAGCAGCAGAGCAGA-3'
Protein context (NP_001243474.1, residues 201-221): ATCDHVTGEC[Arg211Cys]CPPGYTGAFC